The following is an entry in ClinVar:

ClinVar aggregate classification (germline): Likely benign (0 of 4 stars; one submission).

Conditions:
PLXNA2-related disorder. Also called: PLXNA2-related condition.

gnomAD v4.1: 7 of 1,614,112 alleles (0.00043%); highest among the groups gnomAD compares: African/African-American, 0.0013%; no homozygotes.

Submission:

PreventionGenetics, part of Exact Sciences
Classification: Likely benign for PLXNA2-related condition. Last evaluated: 2023-02-06. Review status: no assertion criteria provided. Collection method: clinical testing. Allele origin: germline.
Comment: This variant is classified as likely benign based on ACMG/AMP sequence variant interpretation guidelines (Richards et al. 2015 PMID: 25741868, with internal and published modifications).

NM_025179.4(PLXNA2):c.375C>T (p.Arg125=)

Gene: PLXNA2 (plexin A2; minus strand). Cytogenetic location: 1q32.2.
Variant type: single nucleotide variant.
Coding change: c.375C>T on transcript NM_025179.4 (MANE Select); coding-DNA position 375, C replaced by T.
Protein change: p.Arg125=; no amino-acid change (arginine 125 retained).
Molecular consequence: synonymous variant.
Genome position (GRCh38, 1-based): chr1:208,217,548, G>A on the plus strand (C>T on the coding strand, the complement: PLXNA2 is on the minus strand). VCF-style: chr1-208217548-G-A. GRCh37 (hg19) VCF-style: chr1-208390893-G-A.
Identifiers: ClinVar variation 3355950 (VCV003355950.1).
Genomic context (GRCh38, chr1:208,217,548, plus strand): 5'-GAGGTCATCCAGCCGCAGCAGCTTGCAGACCCCCTGGTAGAGGCTCCCACAGGCCAGCAG[G>A]CGGTTCTCAGAGTAGTCAATGATGAGCAGCTTGTTGACATTGTTGGTGAGGGTGAGCACT-3'
Protein context (NP_079455.3, residues 115-135): KLLIIDYSEN[Arg125=]LLACGSLYQG